The following is an entry in ClinVar:

ClinVar aggregate classification (germline): Uncertain significance (1 of 4 stars; one submission).

Conditions:
Cardiovascular phenotype. Identifiers: MedGen CN230736.

Allele frequency attached by ClinVar (database versions not stated): TOPMed below 0.00001; gnomAD 0.00001.

Submission:

Ambry Genetics
Classification: Uncertain significance for Cardiovascular phenotype. Last evaluated: 2020-08-17. Review status: criteria provided, single submitter. Criteria: Ambry Variant Classification Scheme 2023. Collection method: clinical testing. Allele origin: germline.
Comment: The p.K5831N variant (also known as c.17493G>T), located in coding exon 69 of the TTN gene, results from a G to T substitution at nucleotide position 17493. The lysine at codon 5831 is replaced by asparagine, an amino acid with similar properties. This amino acid position is highly conserved in available vertebrate species. In addition, this alteration is predicted to be tolerated by in silico analysis. Since supporting evidence is limited at this time, the clinical significance of this alteration remains unclear.

NM_001267550.2(TTN):c.44688G>T (p.Lys14896Asn)

Gene: TTN (titin; minus strand). Cytogenetic location: 2q31.2.
Variant type: single nucleotide variant.
Coding change: c.44688G>T on transcript NM_001267550.2 (MANE Select); coding-DNA position 44688, G replaced by T.
Protein change: p.Lys14896Asn; replaces lysine 14896 with asparagine.
Molecular consequence: missense variant.
Genome position (GRCh38, 1-based): chr2:178,624,592, C>A on the plus strand (G>T on the coding strand, the complement: TTN is on the minus strand). VCF-style: chr2-178624592-C-A. GRCh37 (hg19) VCF-style: chr2-179489319-C-A.
Other names: c.39765G>T, p.Lys13255Asn (NM_001256850.1); c.17493G>T, p.Lys5831Asn (NM_003319.4); c.36984G>T, p.Lys12328Asn (NM_133378.4); c.17868G>T, p.Lys5956Asn (NM_133432.3); c.18069G>T, p.Lys6023Asn (NM_133437.4); short protein forms K13255N, K6023N, K12328N, K5956N, K14896N, K5831N.
Identifiers: ClinVar variation 1779335 (VCV001779335.2), dbSNP rs2058754432, ClinGen allele CA349640696.
Genomic context (GRCh38, chr2:178,624,592, plus strand): 5'-TGGGGTACAGTCATGTATAACAAGTTTTCTGACCCTGCCATCAGCAACAATTTCATACTT[C>A]TTGCTTTTGAGGATTTCTGTCCCATTTTTGAACCATTTCACCTTAGCATTTTCTCTGGAG-3'
Protein context (NP_001254479.2, residues 14886-14906): FKNGTEILKS[Lys14896Asn]KYEIVADGRV